The following is an entry in ClinVar:

NM_003073.5(SMARCB1):c.146C>T (p.Ser49Leu)

Gene: SMARCB1 (SWI/SNF related BAF chromatin remodeling complex subunit B1; plus strand). Cytogenetic location: 22q11.23.
Variant type: single nucleotide variant.
Coding change: c.146C>T on transcript NM_003073.5 (MANE Select); coding-DNA position 146, C replaced by T.
Protein change: p.Ser49Leu; replaces serine 49 with leucine.
Molecular consequence: missense variant.
Genome position (GRCh38, 1-based): chr22:23,791,808, C>T. VCF-style: chr22-23791808-C-T. GRCh37 (hg19) VCF-style: chr22-24133995-C-T.
Other names: c.146C>T, p.Ser49Leu (NM_001007468.3, NM_001317946.2, NM_001362877.2); short protein forms S49L.
Identifiers: ClinVar variation 2011738 (VCV002011738.4), dbSNP rs746421595, ClinGen allele CA10145856.

ClinVar aggregate classification (germline): Uncertain significance (1 of 4 stars; one submission).

Allele frequency attached by ClinVar (database versions not stated): gnomAD exomes below 0.00001; ExAC 0.00001.
gnomAD v4.1: 1 of 1,613,620 alleles (0.000062%); highest among the groups gnomAD compares: Admixed American, 0.0017%; no homozygotes.

Submission:

Labcorp Genetics (formerly Invitae), Labcorp
Classification: Uncertain significance. Last evaluated: 2022-06-28. Review status: criteria provided, single submitter. Criteria: Invitae Variant Classification Sherloc (09022015). Collection method: clinical testing. Allele origin: germline.
Comment: This sequence change replaces serine, which is neutral and polar, with leucine, which is neutral and non-polar, at codon 49 of the SMARCB1 protein (p.Ser49Leu). This variant is present in population databases (rs746421595, gnomAD 0.003%). This variant has not been reported in the literature in individuals affected with SMARCB1-related conditions. Algorithms developed to predict the effect of missense changes on protein structure and function (SIFT, PolyPhen-2, Align-GVGD) all suggest that this variant is likely to be tolerated. In summary, the available evidence is currently insufficient to determine the role of this variant in disease. Therefore, it has been classified as a Variant of Uncertain Significance.